The following is an entry in ClinVar:

ClinVar aggregate classification (germline): Pathogenic (1 of 4 stars; one submission).

Conditions:
Autism spectrum disorder - epilepsy - arthrogryposis syndrome (AMRS). Identifiers: Orphanet 370943, MedGen C3809910, MONDO:0014248, OMIM 615553.

Submission:

Myriad Genetics, Inc.
Classification: Pathogenic for Autism spectrum disorder - epilepsy - arthrogryposis syndrome. Last evaluated: 2025-09-18. Review status: criteria provided, single submitter. Criteria: Myriad Autosomal Dominant, Autosomal Recessive and X-Linked Classification Criteria (2023). Collection method: clinical testing. Allele origin: unknown.
Comment: NM_001271685.1(SLC35A3):c.398C>G(S133*) is expected to be pathogenic in the context of arthrogryposis, impaired intellectual development, and seizures. This variant is predicted to lead to an abnormal or absent protein product due to the creation of a premature termination codon in SLC35A3, a gene where loss-of-function variants are known to be pathogenic. Please note: this variant was assessed in the context of healthy population screening.

NM_012243.3(SLC35A3):c.272C>G (p.Ser91Ter)

Gene: SLC35A3 (solute carrier family 35 member A3; plus strand). Cytogenetic location: 1p21.2.
Variant type: single nucleotide variant.
Coding change: c.272C>G on transcript NM_012243.3 (MANE Select); coding-DNA position 272, C replaced by G.
Protein change: p.Ser91Ter; replaces serine 91 with a stop codon.
Molecular consequence: nonsense.
Genome position (GRCh38, 1-based): chr1:99,999,345, C>G. VCF-style: chr1-99999345-C-G. GRCh37 (hg19) VCF-style: chr1-100464901-C-G.
Other names: c.272C>G, p.Ser91Ter (NM_001271684.2, NM_001437713.1, NM_001437717.1 and 3 more transcripts); c.398C>G, p.Ser133Ter (NM_001271685.2); short protein forms S133*, S91*.
Identifiers: ClinVar variation 5014993 (VCV005014993.1).